The following is an entry in ClinVar:

NM_001904.4(CTNNB1):c.1803+1G>T

Gene: CTNNB1 (catenin beta 1; plus strand). Cytogenetic location: 3p22.1.
Variant type: single nucleotide variant.
Coding change: c.1803+1G>T on transcript NM_001904.4 (MANE Select); the canonical splice donor site of the intron after coding-DNA position 1803, G replaced by T.
Molecular consequence: splice donor variant.
Genome position (GRCh38, 1-based): chr3:41,235,844, G>T. VCF-style: chr3-41235844-G-T. GRCh37 (hg19) VCF-style: chr3-41277335-G-T.
Other names: NC_000003.11:g.41277335G>T; c.1782+1G>T (NM_001330729.2); c.1803+1G>T (NM_001098209.2, NM_001098210.2, NM_001438874.1 and 4 more transcripts).
Identifiers: ClinVar variation 4296141 (VCV004296141.2).
Genomic context (GRCh38, chr3:41,235,844, plus strand): 5'-CGGGATGTTCACAACCGAATTGTTATCAGAGGACTAAATACCATTCCATTGTTTGTGCAG[G>T]TATGTTTTAAGTGAAGTGTTCTAGGTTTTATGTCCATAAAATTTCCAGATTGTAATGACT-3'

ClinVar aggregate classification (germline): Likely pathogenic (1 of 4 stars; one submission).

Conditions:
Severe intellectual disability-progressive spastic diplegia syndrome (NEDSDV). Also called: NEURODEVELOPMENTAL DISORDER WITH SPASTIC DIPLEGIA AND VISUAL DEFECTS; CTNNB1 Neurodevelopmental Disorder. Identifiers: Orphanet 404473, MedGen C3554449, MONDO:0014035, OMIM 615075.

Submissions (2):

UAEU Genomics Laboratory, United Arab Emirates University
Classification: Likely pathogenic for Severe intellectual disability-progressive spastic diplegia syndrome. Last evaluated: 2024-05-09. Review status: criteria provided, single submitter. Criteria: ACMG Guidelines, 2015. Collection method: research. Allele origin: germline. Affected: yes. Observed: 1 variant allele.
Comment: PM2, PVS1

Dr. Peter K. Rogan Lab, Western University
No classification provided (evidence only). Condition: Nonpapillary renal cell carcinoma. Review status: no classification provided. Collection method: in vitro. Allele origin: not applicable. Functional consequence: retained intron. Not counted in ClinVar's aggregate classification.